The following is an entry in ClinVar:

NM_001365902.3(NFIX):c.1012C>T (p.Gln338Ter)

Gene: NFIX (nuclear factor I X; plus strand). Cytogenetic location: 19p13.13.
Variant type: single nucleotide variant.
Coding change: c.1012C>T on transcript NM_001365902.3 (MANE Select); coding-DNA position 1012, C replaced by T.
Protein change: p.Gln338Ter; replaces glutamine 338 with a stop codon.
Molecular consequence: nonsense. On other transcripts: intron variant (1).
Genome position (GRCh38, 1-based): chr19:13,078,669, C>T. VCF-style: chr19-13078669-C-T. GRCh37 (hg19) VCF-style: chr19-13189483-C-T.
Other names: c.1036C>T, p.Gln346Ter (NM_001271043.2); c.988C>T, p.Gln330Ter (NM_001271044.3, NM_001378404.1); c.871C>T, p.Gln291Ter (NM_001365983.2); c.1009C>T, p.Gln337Ter (NM_001365984.2, NM_001365985.2); c.1060C>T, p.Gln354Ter (NM_001378405.1); c.1012C>T, p.Gln338Ter (NM_002501.4); c.955+2998C>T (NM_001365982.2); short protein forms Q291*, Q330*, Q337*, Q338*, Q346*, Q354*.
Identifiers: ClinVar variation 1700444 (VCV001700444.2), dbSNP rs772435667, ClinGen allele CA404300934.

ClinVar aggregate classification (germline): Pathogenic (1 of 4 stars; one submission).

Submission:

GeneDx
Classification: Pathogenic. Last evaluated: 2022-02-03. Review status: criteria provided, single submitter. Criteria: GeneDx Variant Classification Process June 2021. Collection method: clinical testing. Allele origin: germline. Affected: yes.
Comment: Also known as c.1012C>T p.(Gln338*); Nonsense variant predicted to result in protein truncation or nonsense mediated decay in a gene for which loss-of-function is a known mechanism of disease; This variant is associated with the following publications: (PMID: 29897170, 25118028)